The following is an entry in ClinVar:

NM_001711.6(BGN):c.622del (p.Gly207_Leu208insTer)

Gene: BGN (biglycan; plus strand). Cytogenetic location: Xq28.
Variant type: Deletion.
Coding change: c.622del on transcript NM_001711.6 (MANE Select); coding-DNA position 622, one base deleted (C; older notation c.622delC).
Protein change: p.Gly207_Leu208insTer.
Molecular consequence: nonsense.
Genome position (GRCh38, 1-based): chrX:153,506,585, C deleted; the last of 2 consecutive C bases (chrX:153,506,584-153,506,585); deleting either gives the same sequence. VCF-style (leftmost placement, unchanged base first): chrX-153506583-GC-G. GRCh37 (hg19) VCF-style: chrX-152772041-GC-G.
Identifiers: ClinVar variation 4808180 (VCV004808180.1).
Genomic context (GRCh38, chrX:153,506,583, plus strand): 5'-CCCTAGAGATGGGCGGGAACCCACTGGAGAACAGTGGCTTTGAACCTGGAGCCTTCGATG[GC>G]CTGAAGCTCAACTACCTGCGCATCTCAGAGGCCAAGCTGACTGGCATCCCCAAAGGTAGG-3'

ClinVar aggregate classification (germline): Pathogenic (1 of 4 stars; one submission).

Submission:

Labcorp Genetics (formerly Invitae), Labcorp
Classification: Pathogenic. Last evaluated: 2025-06-27. Review status: criteria provided, single submitter. Criteria: Invitae Variant Classification Sherloc (09022015). Collection method: clinical testing. Allele origin: germline.
Comment: This sequence change creates a premature translational stop signal (p.Leu208*) in the BGN gene. It is expected to result in an absent or disrupted protein product. Loss-of-function variants in BGN are known to be pathogenic (PMID: 17502576, 27632686). This variant is not present in population databases (gnomAD no frequency). This variant has not been reported in the literature in individuals affected with BGN-related conditions. For these reasons, this variant has been classified as Pathogenic.

Literature cited by the submitters: PubMed 17502576; PubMed 27632686.